The following is an entry in ClinVar:

NM_003982.4(SLC7A7):c.1158C>A (p.Ser386Arg)

Gene: SLC7A7 (solute carrier family 7 member 7; minus strand). Cytogenetic location: 14q11.2.
Variant type: single nucleotide variant.
Coding change: c.1158C>A on transcript NM_003982.4 (MANE Select); coding-DNA position 1158, C replaced by A.
Protein change: p.Ser386Arg; replaces serine 386 with arginine.
Molecular consequence: missense variant.
Genome position (GRCh38, 1-based): chr14:22,774,441, G>T on the plus strand (C>A on the coding strand, the complement: SLC7A7 is on the minus strand). VCF-style: chr14-22774441-G-T. GRCh37 (hg19) VCF-style: chr14-23243650-G-T.
Other names: c.1158C>A, p.Ser386Arg (NM_001126105.3, NM_001126106.4); c.1158C>A (NM_001126106.2); short protein forms S386R.
Identifiers: ClinVar variation 56351 (VCV000056351.3), dbSNP rs386833799, ClinGen allele CA263771.
Genomic context (GRCh38, chr14:22,774,441, plus strand): 5'-CTTCCAGCGCAGATAAAGCTGACCCACAATAGAAAGCCCCACAAAGAACCAGTAGCTGAA[G>T]CTGTAGTAGTTAATGAGCTGGAAGATGTCTTCCACGCACAAGTAGATCAATGCCATGATA-3'
Protein context (NP_003973.3, residues 376-396): EDIFQLINYY[Ser386Arg]FSYWFFVGLS

ClinVar aggregate classification (germline): Likely pathogenic. Review status: criteria provided, single submitter (1 of 4 stars). 2 submissions from 2 submitters: Likely pathogenic (1). 1 of the submissions does not count toward it. Last evaluated 2024-11-27.

Conditions:
Lysinuric protein intolerance (LPI). Identifiers: Orphanet 470, MedGen C0268647, MONDO:0009109, OMIM 222700.

Allele frequency attached by ClinVar (database versions not stated): gnomAD exomes below 0.00001.
gnomAD v4.1: 1 of 1,614,166 alleles (0.000062%); no homozygotes.

Submissions (2):

Natera, Inc.
Classification: Likely pathogenic for Lysinuric protein intolerance. Last evaluated: 2024-11-27. Review status: criteria provided, single submitter. Criteria: Natera Variant Classification Schema (03/2026). Collection method: clinical testing. Allele origin: germline.
Comment: The c.1158C>A variant in SLC7A7 is a missense variant predicted to cause substitution of serine to arginine at amino acid 386. This variant is rare in the general population with a frequency below the threshold expected for the associated phenotype(s). This variant has been observed in one or more individuals affected with the associated recessive disease, as either homozygous or compound heterozygous with a second variant (PMID: 10631139). This variant has been identified in one or more affected individuals with a phenotype highly consistent with the associated gene (PMID: 10631139). Computational prediction algorithms indicate this variant is likely to affect gene or protein function. Given the available evidence, this variant is classified as Likely Pathogenic.

Juha Muilu Group; Institute for Molecular Medicine Finland (FIMM)
Classification: Likely pathogenic for Lysinuric protein intolerance. Review status: no assertion criteria provided. Collection method: not provided. Allele origin: unknown. Not counted in ClinVar's aggregate classification.
Comment: FinDis database variant: This variant was not found or characterized by our laboratory, data were collected from public sources: see reference
ClinVar note: Converted during submission from probable-pathogenic to Likely pathogenic.

Literature cited by the submitters: PubMed 10631139 (cited by Natera, Inc.).